The following is an entry in ClinVar:

NM_000539.3(RHO):c.517G>A (p.Ala173Thr)

Gene: RHO (rhodopsin; plus strand). Cytogenetic location: 3q22.1.
Variant type: single nucleotide variant.
Coding change: c.517G>A on transcript NM_000539.3 (MANE Select); coding-DNA position 517, G replaced by A.
Protein change: p.Ala173Thr; replaces alanine 173 with threonine.
Molecular consequence: missense variant.
Genome position (GRCh38, 1-based): chr3:129,531,031, G>A. VCF-style: chr3-129531031-G-A. GRCh37 (hg19) VCF-style: chr3-129249874-G-A.
Other names: short protein forms A173T.
Identifiers: ClinVar variation 964188 (VCV000964188.11), dbSNP rs139731264, ClinGen allele CA2607180.

ClinVar aggregate classification (germline): Conflicting classifications of pathogenicity. Review status: criteria provided, conflicting classifications (1 of 4 stars). 4 submissions from 4 submitters: Uncertain significance (1); Likely benign (2). 1 of the submissions does not count toward it. Last evaluated 2026-08-20.

Conditions:
RHO-related disorder. Also called: RHO-related condition.
Retinal dystrophy. Also called: Inherited retinal dystrophy. Identifiers: Orphanet 71862, MedGen C0854723, MeSH D058499, MONDO:0019118, HP:0000556.

Allele frequency attached by ClinVar (database versions not stated): TOPMed 0.00041; gnomAD exomes 0.00004 and 0.00012; 1000 Genomes Project 30x 0.00016; ExAC 0.00016; 1000 Genomes Project 0.00020; gnomAD 0.00029 and 0.00033; ESP Exome Variant Server 0.00038.
gnomAD v4.1: 111 of 1,613,870 alleles (0.0069%); highest among the groups gnomAD compares: African/African-American, 0.11%; no homozygotes.

Submissions (4):

PreventionGenetics, part of Exact Sciences
Classification: Uncertain significance for RHO-related condition. Last evaluated: 2026-08-20. Review status: criteria provided, single submitter. Criteria: ACMG Guidelines, 2015. Collection method: clinical testing. Allele origin: germline.
Comment: The RHO c.517G>A variant is predicted to result in the amino acid substitution p.Ala173Thr. To our knowledge, this variant has not been reported in the literature. This variant is reported in 0.12% of alleles in individuals of African descent in gnomAD, which may be too frequent to be a primary cause of disease. Although we suspect that this variant may be benign, at this time, the clinical significance of this variant is uncertain due to the absence of conclusive functional and genetic evidence.

Labcorp Genetics (formerly Invitae), Labcorp
Classification: Likely benign. Last evaluated: 2025-05-11. Review status: criteria provided, single submitter. Criteria: Invitae Variant Classification Sherloc (09022015). Collection method: clinical testing. Allele origin: germline.

Blueprint Genetics
Classification: Likely benign. Last evaluated: 2024-08-23. Review status: criteria provided, single submitter. Criteria: ACMG Guidelines, 2015. Collection method: clinical testing. Allele origin: germline.

Institute of Human Genetics, Univ. Regensburg, Univ. Regensburg
Classification: Uncertain significance for Retinal dystrophy. Last evaluated: 2013-01-01. Review status: no assertion criteria provided. Criteria: ACMG Guidelines, 2015. Collection method: clinical testing. Allele origin: germline. Affected: yes. Not counted in ClinVar's aggregate classification.